The following is an entry in ClinVar:

ClinVar aggregate classification (germline): Uncertain significance. Review status: criteria provided, multiple submitters, no conflicts (2 of 4 stars). 2 submissions from 2 submitters: Uncertain significance (2). Last evaluated 2026-08-12.

Conditions:
PDE1C-related disorder. Also called: PDE1C-related condition.

Allele frequency attached by ClinVar (database versions not stated): ExAC 0.00003; gnomAD exomes 0.00005; gnomAD 0.00007; TOPMed 0.00008; 1000 Genomes Project 30x 0.00016; 1000 Genomes Project 0.00020.
gnomAD v4.1: 82 of 1,612,108 alleles (0.0051%); highest among the groups gnomAD compares: Admixed American, 0.022%; no homozygotes.

Submissions (2):

PreventionGenetics, part of Exact Sciences
Classification: Uncertain significance for PDE1C-related condition. Last evaluated: 2026-08-12. Review status: criteria provided, single submitter. Criteria: ACMG Guidelines, 2015. Collection method: clinical testing. Allele origin: germline.
Comment: The PDE1C c.352G>C variant is predicted to result in the amino acid substitution p.Val118Leu. To our knowledge, this variant has not been reported in the literature. This variant is reported in 0.0085% of alleles in individuals of Latino descent in gnomAD. At this time, the clinical significance of this variant is uncertain due to the absence of conclusive functional and genetic evidence.

Ambry Genetics
Classification: Uncertain significance. Last evaluated: 2024-11-08. Review status: criteria provided, single submitter. Criteria: Ambry Variant Classification Scheme 2023. Collection method: clinical testing. Allele origin: germline.

NM_001191057.4(PDE1C):c.172G>C (p.Val58Leu)

Gene: PDE1C (phosphodiesterase 1C; minus strand). Cytogenetic location: 7p14.3.
Variant type: single nucleotide variant.
Coding change: c.172G>C on transcript NM_001191057.4 (MANE Select); coding-DNA position 172, G replaced by C.
Protein change: p.Val58Leu; replaces valine 58 with leucine.
Molecular consequence: missense variant.
Genome position (GRCh38, 1-based): chr7:31,880,817, C>G on the plus strand (G>C on the coding strand, the complement: PDE1C is on the minus strand). VCF-style: chr7-31880817-C-G. GRCh37 (hg19) VCF-style: chr7-31920430-C-G.
Other names: c.172G>C, p.Val58Leu (NM_001191056.3, NM_001191059.4, NM_001322055.2 and 3 more transcripts); c.352G>C, p.Val118Leu (NM_001191058.4, NM_001322058.2); c.577G>C, p.Val193Leu (NM_001322059.2); c.352G>C (NM_001191058.3); short protein forms V193L, V118L, V58L.
Identifiers: ClinVar variation 2374945 (VCV002374945.4), dbSNP rs183887809, ClinGen allele CA4211291.